The following is an entry in ClinVar:

ClinVar aggregate classification (germline): Likely pathogenic (1 of 4 stars; one submission).

Conditions:
PPP2CA-related disorder. Also called: PPP2CA-related condition.

Submission:

PreventionGenetics, part of Exact Sciences
Classification: Likely pathogenic for PPP2CA-related condition. Last evaluated: 2023-10-02. Review status: criteria provided, single submitter. Criteria: ACMG Guidelines, 2015. Collection method: clinical testing. Allele origin: germline.
Comment: The PPP2CA c.796T>C variant is predicted to result in the amino acid substitution p.Cys266Arg. To our knowledge, this variant has not been reported in the literature or in a large population database, indicating this variant is rare. This variant is interpreted as likely pathogenic.

NM_002715.4(PPP2CA):c.796T>C (p.Cys266Arg)

Gene: PPP2CA (protein phosphatase 2 catalytic subunit alpha; minus strand). Cytogenetic location: 5q31.1.
Variant type: single nucleotide variant.
Coding change: c.796T>C on transcript NM_002715.4 (MANE Select); coding-DNA position 796, T replaced by C.
Protein change: p.Cys266Arg; replaces cysteine 266 with arginine.
Molecular consequence: missense variant. On other transcripts: non-coding transcript variant (1).
Genome position (GRCh38, 1-based): chr5:134,199,147, A>G on the plus strand (T>C on the coding strand, the complement: PPP2CA is on the minus strand). VCF-style: chr5-134199147-A-G. GRCh37 (hg19) VCF-style: chr5-133534838-A-G.
Other names: c.601T>C, p.Cys201Arg (NM_001355019.2); short protein forms C201R, C266R.
Identifiers: ClinVar variation 2631335 (VCV002631335.1), dbSNP rs2481046894, ClinGen allele CA360998110.